The following is an entry in ClinVar:

NM_001556.3(IKBKB):c.313C>T (p.Arg105Trp)

Gene: IKBKB (inhibitor of nuclear factor kappa B kinase subunit beta; plus strand). Cytogenetic location: 8p11.21.
Variant type: single nucleotide variant.
Coding change: c.313C>T on transcript NM_001556.3 (MANE Select); coding-DNA position 313, C replaced by T.
Protein change: p.Arg105Trp; replaces arginine 105 with tryptophan.
Molecular consequence: missense variant. On other transcripts: non-coding transcript variant (3).
Genome position (GRCh38, 1-based): chr8:42,290,268, C>T. VCF-style: chr8-42290268-C-T. GRCh37 (hg19) VCF-style: chr8-42147786-C-T.
Other names: c.121C>T, p.Arg41Trp (NM_001190720.3); c.136C>T, p.Arg46Trp (NM_001242778.2); short protein forms R105W, R46W, R41W.
Identifiers: ClinVar variation 1027942 (VCV001027942.2), dbSNP rs1812326855, ClinGen allele CA371093396.

ClinVar aggregate classification (germline): Uncertain significance. Review status: criteria provided, multiple submitters, no conflicts (2 of 4 stars). 2 submissions from 2 submitters: Uncertain significance (2). Last evaluated 2025-09-10.

Conditions:
Immunodeficiency 15a. Identifiers: Orphanet 700205, MedGen C4748694, MONDO:0032599, OMIM 618204.
Severe combined immunodeficiency due to IKK2 deficiency. Also called: IMMUNODEFICIENCY 15B; Immunodeficiency 15. Identifiers: Orphanet 397787, MedGen C4747743, MONDO:0014267, OMIM 615592.

Allele frequency attached by ClinVar (database versions not stated): gnomAD exomes below 0.00001.
gnomAD v4.1: 1 of 1,610,436 alleles (0.000062%); highest among the groups gnomAD compares: Non-Finnish European, 0.000085%; no homozygotes.

Submissions (2):

Genomic Medicine Center of Excellence, King Faisal Specialist Hospital and Research Centre
Classification: Uncertain significance for Severe combined immunodeficiency due to IKK2 deficiency. Last evaluated: 2025-09-10. Review status: criteria provided, single submitter. Criteria: ACMG Guidelines, 2015. Collection method: clinical testing. Allele origin: germline.

Baylor Genetics
Classification: Uncertain significance for Immunodeficiency 15a. Last evaluated: 2019-08-21. Review status: criteria provided, single submitter. Criteria: ACMG Guidelines, 2015. Collection method: clinical testing. Allele origin: unknown. Affected: yes.
Comment: This variant was determined to be of uncertain significance according to ACMG Guidelines, 2015 [PMID:25741868].